The following is an entry in ClinVar:

ClinVar aggregate classification (germline): Pathogenic (1 of 4 stars; one submission).

Conditions:
Heterotopia, periventricular, X-linked dominant (PVNH1). Also called: PERIVENTRICULAR NODULAR HETEROTOPIA 1; X-linked periventricular heterotopia; PERIVENTRICULAR NODULAR HETEROTOPIA 4; HETEROTOPIA, PERIVENTRICULAR, 1. Identifiers: Orphanet 2149, Orphanet 82004, MedGen C1848213, MONDO:0010233, OMIM 300049.

Submission:

Juno Genomics, Hangzhou Juno Genomics, Inc
Classification: Pathogenic for Heterotopia, periventricular, X-linked dominant. Review status: criteria provided, single submitter. Criteria: ACMG Guidelines, 2015. Collection method: clinical testing. Allele origin: germline. Affected: yes.
Comment: Absent from controls (or at extremely low frequency if recessive) in Genome Aggregation Database, Exome Sequencing Project, 1000 Genomes Project, or Exome Aggregation Consortium.;Null variant in a gene where loss of function (LOF) is a known mechanism of disease.;Assumed de novo, but without confirmation of paternity and maternity.

NM_001110556.2(FLNA):c.1221del (p.Phe407fs)

Gene: FLNA (filamin A; minus strand). Cytogenetic location: Xq28.
Variant type: Deletion.
Coding change: c.1221del on transcript NM_001110556.2 (MANE Select); coding-DNA position 1221, one base deleted (T; older notation c.1221delT).
Protein change: p.Phe407fs; shifts the reading frame from phenylalanine 407.
Molecular consequence: frameshift variant.
Genome position (GRCh38, 1-based): chrX:154,366,315, A deleted on the plus strand (T on the coding strand, the reverse complement: FLNA is on the minus strand); the first of 3 consecutive A bases (chrX:154,366,315-154,366,317); deleting any one gives the same sequence. VCF-style (leftmost placement, unchanged base first): chrX-154366314-TA-T. GRCh37 (hg19) VCF-style: chrX-153594682-TA-T.
Other names: c.1221del, p.Phe407fs (NM_001456.4); short protein forms F407fs.
Identifiers: ClinVar variation 3382405 (VCV003382405.2).